The following is an entry in ClinVar:

ClinVar aggregate classification (germline): Uncertain significance (1 of 4 stars; one submission).

Submission:

GeneDx
Classification: Uncertain significance. Last evaluated: 2022-04-21. Review status: criteria provided, single submitter. Criteria: GeneDx Variant Classification Process June 2021. Collection method: clinical testing. Allele origin: germline. Affected: yes.
Comment: Not observed at significant frequency in large population cohorts (gnomAD); In silico analysis supports that this missense variant does not alter protein structure/function; Has not been previously published as pathogenic or benign to our knowledge

NM_015557.3(CHD5):c.5308G>C (p.Glu1770Gln)

Gene: CHD5 (chromodomain helicase DNA binding protein 5; minus strand). Cytogenetic location: 1p36.31.
Variant type: single nucleotide variant.
Coding change: c.5308G>C on transcript NM_015557.3 (MANE Select); coding-DNA position 5308, G replaced by C.
Protein change: p.Glu1770Gln; replaces glutamic acid 1770 with glutamine.
Molecular consequence: missense variant.
Genome position (GRCh38, 1-based): chr1:6,110,468, C>G on the plus strand (G>C on the coding strand, the complement: CHD5 is on the minus strand). VCF-style: chr1-6110468-C-G. GRCh37 (hg19) VCF-style: chr1-6170528-C-G.
Other names: short protein forms E1770Q.
Identifiers: ClinVar variation 1712673 (VCV001712673.2), dbSNP rs761076818, ClinGen allele CA338065640.